The following is an entry in ClinVar:

ClinVar aggregate classification (germline): Benign. Review status: criteria provided, multiple submitters, no conflicts (2 of 4 stars). 2 submissions from 2 submitters: Benign (2). Last evaluated 2021-07-14.

Conditions:
X-linked chondrodysplasia punctata 1 (CDPX1). Also called: CHONDRODYSPLASIA PUNCTATA, BRACHYTELEPHALANGIC; Chondrodysplasia punctata, X-linked recessive. Identifiers: Orphanet 79345, MedGen C3669395, MONDO:0010555, OMIM 302950.

Allele frequency attached by ClinVar (database versions not stated): TOPMed 0.99718; 1000 Genomes Project 0.99762; 1000 Genomes Project 30x 0.99813.

Submissions (7):

Genome-Nilou Lab
Classification: Benign for X-linked chondrodysplasia punctata 1. Last evaluated: 2021-07-14. Review status: criteria provided, single submitter. Criteria: ACMG Guidelines, 2015. Collection method: clinical testing. Allele origin: germline. Affected: no.

GeneDx
Classification: Benign. Last evaluated: 2018-06-14. Review status: criteria provided, single submitter. Criteria: GeneDx Variant Classification (06012015). Collection method: clinical testing. Allele origin: germline. Affected: yes.
Comment: This variant is considered likely benign or benign based on one or more of the following criteria: it is a conservative change, it occurs at a poorly conserved position in the protein, it is predicted to be benign by multiple in silico algorithms, and/or has population frequency not consistent with disease.

Dr. Peter K. Rogan Lab, Western University
No classification provided (evidence only). Condition: Familial cancer of breast. Review status: no classification provided. Collection method: in vitro. Allele origin: not applicable. Functional consequence: retained intron. Not counted in ClinVar's aggregate classification.

Dr. Peter K. Rogan Lab, Western University
No classification provided (evidence only). Condition: Uterine carcinosarcoma. Review status: no classification provided. Collection method: in vitro. Allele origin: not applicable. Functional consequence: retained intron. Not counted in ClinVar's aggregate classification.

Dr. Peter K. Rogan Lab, Western University
No classification provided (evidence only). Condition: Uterine carcinosarcoma. Review status: no classification provided. Collection method: in vitro. Allele origin: not applicable. Functional consequence: retained intron. Not counted in ClinVar's aggregate classification.

Dr. Peter K. Rogan Lab, Western University
No classification provided (evidence only). Condition: Uterine carcinosarcoma. Review status: no classification provided. Collection method: in vitro. Allele origin: not applicable. Functional consequence: retained intron. Not counted in ClinVar's aggregate classification.

Dr. Peter K. Rogan Lab, Western University
No classification provided (evidence only). Condition: Uterine carcinosarcoma. Review status: no classification provided. Collection method: in vitro. Allele origin: not applicable. Functional consequence: retained intron. Not counted in ClinVar's aggregate classification.

NM_000047.3(ARSL):c.992-219C>G

Gene: ARSL (arylsulfatase L; minus strand). Cytogenetic location: Xp22.33.
Variant type: single nucleotide variant.
Coding change: c.992-219C>G on transcript NM_000047.3 (MANE Select); 219 bases into the intron before coding-DNA position 992, C replaced by G.
Molecular consequence: intron variant.
Genome position (GRCh38, 1-based): chrX:2,943,418, G>C on the plus strand (C>G on the coding strand, the complement: ARSL is on the minus strand). VCF-style: chrX-2943418-G-C. GRCh37 (hg19) VCF-style: chrX-2861459-G-C.
Other names: NC_000023.10:g.2861459G>C; c.1067-219C>G (NM_001282628.2, NM_001369080.1); c.830-219C>G (NM_001282631.2); c.1019-219C>G (NM_001369079.1).
Identifiers: ClinVar variation 667510 (VCV000667510.5), dbSNP rs211643, ClinGen allele CA326003996.
Genomic context (GRCh38, chrX:2,943,418, plus strand): 5'-GTTGGAGATTGATGTATGACTTTATATGCACCCCATCCTTTGGTCAGAATTTTAGGCAAC[G>C]TACAAGGACAAAATATCAAAAACTTAAAAGTGCAGCATGCAGGCTGGGCACAGTGGCTCA-3'